The following is an entry in ClinVar:

ClinVar aggregate classification (germline): Uncertain significance (1 of 4 stars; one submission).

Conditions:
ABCB1-related disorder. Also called: ABCB1-related condition.

gnomAD v4.1: 20 of 1,614,104 alleles (0.0012%); highest among the groups gnomAD compares: East Asian, 0.042%; no homozygotes.

Submission:

PreventionGenetics, part of Exact Sciences
Classification: Uncertain significance for ABCB1-related condition. Last evaluated: 2025-03-27. Review status: criteria provided, single submitter. Criteria: ACMG Guidelines, 2015. Collection method: clinical testing. Allele origin: germline.
Comment: The ABCB1 c.2384C>G variant is predicted to result in the amino acid substitution p.Ser795Cys. To our knowledge, this variant has not been reported in the literature. This variant is reported in 0.040% of alleles in individuals of East Asian descent in gnomAD. At this time, the clinical significance of this variant is uncertain due to the absence of conclusive functional and genetic evidence.

NM_001348946.2(ABCB1):c.2384C>G (p.Ser795Cys)

Gene: ABCB1 (ATP binding cassette subfamily B member 1; minus strand). Cytogenetic location: 7q21.12.
Variant type: single nucleotide variant.
Coding change: c.2384C>G on transcript NM_001348946.2 (MANE Select); coding-DNA position 2384, C replaced by G.
Protein change: p.Ser795Cys; replaces serine 795 with cysteine.
Molecular consequence: missense variant.
Genome position (GRCh38, 1-based): chr7:87,539,281, G>C on the plus strand (C>G on the coding strand, the complement: ABCB1 is on the minus strand). VCF-style: chr7-87539281-G-C. GRCh37 (hg19) VCF-style: chr7-87168597-G-C.
Other names: c.2384C>G, p.Ser795Cys (NM_000927.5, NM_001348944.2); c.2594C>G, p.Ser865Cys (NM_001348945.2); short protein forms S865C, S795C.
Identifiers: ClinVar variation 4977241 (VCV004977241.1).